The following is an entry in ClinVar:

NM_001384140.1(PCDH15):c.4671+1349_4671+1353dup

Gene: PCDH15 (protocadherin related 15; minus strand). Cytogenetic location: 10q21.1.
Variant type: Duplication.
Coding change: c.4671+1349_4671+1353dup on transcript NM_001384140.1 (MANE Select); bases 1349 to 1353 of the intron after coding-DNA position 4671, 5 bases duplicated (GAGTT; older notation c.4671+1349_4671+1353dupGAGTT).
Molecular consequence: intron variant. On other transcripts: frameshift variant (3), 3 prime UTR variant (1).
Genome position (GRCh38, 1-based): chr10:53,809,203-53,809,207, AACTC duplicated on the plus strand (GAGTT on the coding strand, the reverse complement: PCDH15 is on the minus strand); duplicating any 5 consecutive bases within chr10:53,809,203-53,809,208 gives the same sequence; the c. name uses the placement nearest the transcript's 3' end. VCF-style (leftmost placement, unchanged base first): chr10-53809202-G-GAACTC. GRCh37 (hg19) VCF-style: chr10-55568962-G-GAACTC.
Other names: c.4858_4862dupGAGTT (NM_001142769.3); c.4857_4861dup, p.Phe1621Leufs (NM_001142769.4); c.*273_*277dup (NM_001142770.3); c.4837_4841dup, p.Phe1614fs (NM_001354411.2); c.4476+1349_4476+1353dup (NM_001354420.2); c.4605+1349_4605+1353dup (NM_001354429.2); c.4482+1349_4482+1353dup (NM_001142772.2); c.4497+1349_4497+1353dup (NM_001142771.2); short protein forms F1621fs, F1614fs.
Identifiers: ClinVar variation 2445660 (VCV002445660.1), dbSNP rs1554815732, ClinGen allele CA2580081596.
Genomic context (GRCh38, chr10:53,809,202, plus strand): 5'-CTCCTCCTCCTCAGAGGGTGTCTCTGACTCAGATTCCTCTTCTGTAGTCTCAGACTCACT[G>GAACTC]AACTCAGACTCTTCTTCACTGTATTCAGTATAGTCGCTGGAGGATTCCTCCTCTGATTCT-3'

ClinVar aggregate classification (germline): Pathogenic (1 of 4 stars; one submission).

Conditions:
Autosomal recessive nonsyndromic hearing loss 23. Identifiers: Orphanet 90636, MedGen C1836027, MONDO:0012293, OMIM 609533.

Submission:

King Laboratory, University of Washington
Classification: Pathogenic for Autosomal recessive nonsyndromic hearing loss 23. Last evaluated: 2023-02-28. Review status: criteria provided, single submitter. Criteria: Li et al. (Genet Med. 2022). Collection method: research. Allele origin: unknown. Affected: yes.
Comment: This variant is a five base pair insertion that leads to a frameshift that is predicted to cause the addition of 198 incorrect amino acids and an abnormally long protein of 1814 rather than 1783 amino acids. Only the PDCH15 isoform critical to hearing, and not the others, would be changed by this variant (PMID: 32747562, 24940003). As of January 2023, this variant has not been reported to ClinVar and is not found on gnomAD. Based on homozgosity, consistently predicted functional effect, and goodness of fit of genotype to phenotype, we conclude that this variant is pathogenic.

Literature cited by the submitters: PubMed 36633841; PubMed 32747562; PubMed 24940003.